The following is an entry in ClinVar:

ClinVar aggregate classification (germline): Uncertain significance. Review status: criteria provided, multiple submitters, no conflicts (2 of 4 stars). 2 submissions from 2 submitters: Uncertain significance (2). Last evaluated 2024-04-05.

Conditions:
Hereditary cancer-predisposing syndrome. Also called: Neoplastic Syndromes, Hereditary; Hereditary Cancer Syndrome; Hereditary neoplastic syndrome; Tumor predisposition. Identifiers: Orphanet 140162, MedGen C0027672, MeSH D009386, MONDO:0015356.
Gastrointestinal stromal tumor. Also called: Gastrointestinal stromal tumor, somatic; Gastrointestinal stroma tumor. Identifiers: Orphanet 44890, MedGen C0238198, MeSH D046152, MONDO:0011719, OMIM 606764, HP:0100723.

Allele frequency attached by ClinVar (database versions not stated): TOPMed below 0.00001; gnomAD 0.00001.

Submissions (2):

Ambry Genetics
Classification: Uncertain significance for Hereditary cancer-predisposing syndrome. Last evaluated: 2024-04-05. Review status: criteria provided, single submitter. Criteria: Ambry Variant Classification Scheme 2023. Collection method: clinical testing. Allele origin: germline.
Comment: The p.N655S variant (also known as c.1964A>G), located in coding exon 13 of the KIT gene, results from an A to G substitution at nucleotide position 1964. The asparagine at codon 655 is replaced by serine, an amino acid with highly similar properties. This amino acid position is highly conserved in available vertebrate species. In addition, the in silico prediction for this alteration is inconclusive. Based on the available evidence, the clinical significance of this variant remains unclear.

Labcorp Genetics (formerly Invitae), Labcorp
Classification: Uncertain significance for Gastrointestinal stromal tumor. Last evaluated: 2023-10-23. Review status: criteria provided, single submitter. Criteria: Invitae Variant Classification Sherloc (09022015). Collection method: clinical testing. Allele origin: germline.
Comment: This sequence change replaces asparagine, which is neutral and polar, with serine, which is neutral and polar, at codon 655 of the KIT protein (p.Asn655Ser). This variant is not present in population databases (gnomAD no frequency). This variant has not been reported in the literature in individuals affected with KIT-related conditions. ClinVar contains an entry for this variant (Variation ID: 375922). An algorithm developed to predict the effect of missense changes on protein structure and function (PolyPhen-2) suggests that this variant is likely to be disruptive. This variant disrupts the p.Asn655 amino acid residue in KIT. Other variant(s) that disrupt this residue have been determined to be pathogenic (PMID: 17489795, 23106360, 33212994; Invitae). This suggests that this residue is clinically significant, and that variants that disrupt this residue are likely to be disease-causing. In summary, the available evidence is currently insufficient to determine the role of this variant in disease. Therefore, it has been classified as a Variant of Uncertain Significance.

Literature cited by the submitters: PubMed 17489795 (cited by Labcorp Genetics (formerly Invitae), Labcorp); PubMed 23106360 (cited by Labcorp Genetics (formerly Invitae), Labcorp); PubMed 33212994 (cited by Labcorp Genetics (formerly Invitae), Labcorp).

NM_000222.3(KIT):c.1964A>G (p.Asn655Ser)

Gene: KIT (KIT proto-oncogene, receptor tyrosine kinase; plus strand). Cytogenetic location: 4q12.
Variant type: single nucleotide variant.
Coding change: c.1964A>G on transcript NM_000222.3 (MANE Select); coding-DNA position 1964, A replaced by G.
Protein change: p.Asn655Ser; replaces asparagine 655 with serine.
Molecular consequence: missense variant.
Genome position (GRCh38, 1-based): chr4:54,728,095, A>G. VCF-style: chr4-54728095-A-G. GRCh37 (hg19) VCF-style: chr4-55594261-A-G.
Other names: c.1952A>G, p.Asn651Ser (NM_001093772.2, NM_001385286.1); c.1967A>G, p.Asn656Ser (NM_001385284.1, NM_001385290.1); c.1964A>G, p.Asn655Ser (NM_001385285.1); c.1955A>G, p.Asn652Ser (NM_001385288.1, NM_001385292.1); short protein forms N655S, N651S, N652S, N656S.
Identifiers: ClinVar variation 375922 (VCV000375922.12), dbSNP rs1057519707, ClinGen allele CA16602403.